The following is an entry in ClinVar:

ClinVar aggregate classification (germline): Likely pathogenic. Review status: criteria provided, multiple submitters, no conflicts (2 of 4 stars). 4 submissions from 4 submitters: Likely pathogenic (4). Last evaluated 2025-06-15.

Conditions:
Familial thoracic aortic aneurysm and aortic dissection (TAAD). Also called: Thoracic aortic aneurysms and dissections. Identifiers: Orphanet 91387, MedGen C4707243, MONDO:0019625.
FBN1-related disorder. Also called: FBN1-related disorders.
Marfan syndrome (MFS). Also called: MARFAN SYNDROME, TYPE I; Marfan syndrome type 1; Marfan's syndrome; Marfan syndrome, classic; FBN1-Related Marfan Syndrome. Identifiers: Orphanet 284963, Orphanet 558, MedGen C0024796, MONDO:0007947, OMIM 154700.

Submissions (4):

Labcorp Genetics (formerly Invitae), Labcorp
Classification: Likely pathogenic for Marfan syndrome; Familial thoracic aortic aneurysm and aortic dissection. Last evaluated: 2025-06-15. Review status: criteria provided, single submitter. Criteria: Invitae Variant Classification Sherloc (09022015). Collection method: clinical testing. Allele origin: germline.
Comment: This sequence change replaces cysteine, which is neutral and slightly polar, with glycine, which is neutral and non-polar, at codon 377 of the FBN1 protein (p.Cys377Gly). This variant is not present in population databases (gnomAD no frequency). This missense change has been observed in individual(s) with Marfan syndrome (PMID: 29848614, 34916231; internal data). ClinVar contains an entry for this variant (Variation ID: 2927220). Invitae Evidence Modeling of protein sequence and biophysical properties (such as structural, functional, and spatial information, amino acid conservation, physicochemical variation, residue mobility, and thermodynamic stability) indicates that this missense variant is expected to disrupt FBN1 protein function with a positive predictive value of 95%. This variant affects a cysteine residue in the EGF-like, TGFBP or hybrid motif domains of FBN1. Cysteine residues are believed to be involved in intramolecular disulfide bridges and have been shown to be important for FBN1 protein structure (PMID: 16905551, 19349279). In addition, missense substitutions affecting cysteine residues within these domains are significantly overrepresented among patients with Marfan syndrome (PMID: 16571647, 17701892). This variant disrupts the p.Cys377 amino acid residue in FBN1. Other variant(s) that disrupt this residue have been observed in individuals with FBN1-related conditions (PMID: 28855619, 33436942), which suggests that this may be a clinically significant amino acid residue. In summary, the currently available evidence indicates that the variant is pathogenic, but additional data are needed to prove that conclusively. Therefore, this variant has been classified as Likely Pathogenic.

3billion
Classification: Likely pathogenic for Marfan syndrome. Last evaluated: 2024-08-08. Review status: criteria provided, single submitter. Criteria: ACMG Guidelines, 2015. Collection method: clinical testing. Allele origin: germline. Affected: yes.
Comment: The variant is not observed in the gnomAD v4.0.0 dataset. Predicted Consequence/Location: Missense variant In silico tool predictions suggest damaging effect of the variant on gene or gene product [REVEL: 0.96 (>=0.6, sensitivity 0.68 and specificity 0.92)]. The same nucleotide change resulting in the same amino acid change has been previously reported to be associated with FBN1 related disorder (ClinVar ID: VCV002927220 /PMID: 29848614).Different missense changes at the same codon (p.Cys377Arg, p.Cys377Tyr) have been reported as pathogenic/likely pathogenic with strong evidence (ClinVar ID: VCV000264158, VCV000803097 /PMID: 33436942). Therefore, this variant is classified as Likely pathogenic according to the recommendation of ACMG/AMP guideline.

Ambry Genetics
Classification: Likely pathogenic for Familial thoracic aortic aneurysm and aortic dissection. Last evaluated: 2024-05-01. Review status: criteria provided, single submitter. Criteria: Ambry Variant Classification Scheme 2023. Collection method: clinical testing. Allele origin: germline.
Comment: The p.C377G variant (also known as c.1129T>G), located in coding exon 9 of the FBN1 gene, results from a T to G substitution at nucleotide position 1129. The cysteine at codon 377 is replaced by glycine, an amino acid with highly dissimilar properties. The majority of FBN1 mutations identified to date have involved the substitution or generation of cysteine residues within cbEGF domains (Vollbrandt T et al. J Biol Chem. 2004;279(31):32924-32931). Internal structural analysis indicates this alteration eliminates a disulfide bond critical for the structural integrity of the TB domain 1 (Ambry internal data). This amino acid position is highly conserved in available vertebrate species. In addition, this alteration is predicted to be deleterious by in silico analysis. Based on the majority of available evidence to date, this variant is likely to be pathogenic.

Blueprint Genetics
Classification: Likely pathogenic for FBN1-related disorders. Last evaluated: 2022-01-11. Review status: criteria provided, single submitter. Criteria: ACMG Guidelines, 2015. Collection method: clinical testing. Allele origin: germline. Affected: yes. Observed: 2 variant alleles.

Literature cited by the submitters: PubMed 29848614 (cited by 3 submitters); PubMed 34916231 (cited by Labcorp Genetics (formerly Invitae), Labcorp); PubMed 16905551 (cited by Labcorp Genetics (formerly Invitae), Labcorp); PubMed 19349279 (cited by Labcorp Genetics (formerly Invitae), Labcorp); PubMed 16571647 (cited by Labcorp Genetics (formerly Invitae), Labcorp); PubMed 17701892 (cited by Labcorp Genetics (formerly Invitae), Labcorp); PubMed 28855619 (cited by Labcorp Genetics (formerly Invitae), Labcorp); PubMed 33436942 (cited by Labcorp Genetics (formerly Invitae), Labcorp and 3billion).

NM_000138.5(FBN1):c.1129T>G (p.Cys377Gly)

Genes: FBN1 (fibrillin 1; minus strand), LOC113939944 (Sharpr-MPRA regulatory region 9539; plus strand). Cytogenetic location: 15q21.1.
Variant type: single nucleotide variant.
Coding change: c.1129T>G on transcript NM_000138.5 (MANE Select); coding-DNA position 1129, T replaced by G.
Protein change: p.Cys377Gly; replaces cysteine 377 with glycine.
Molecular consequence: missense variant.
Genome position (GRCh38, 1-based): chr15:48,520,677, A>C on the plus strand (T>G on the coding strand, the complement: FBN1 is on the minus strand). VCF-style: chr15-48520677-A-C. GRCh37 (hg19) VCF-style: chr15-48812874-A-C.
Other names: c.1129T>G, p.Cys377Gly (NM_001406716.1); short protein forms C377G.
Identifiers: ClinVar variation 2927220 (VCV002927220.6), dbSNP rs886039066, ClinGen allele CA392347112.